The following is an entry in ClinVar:

ClinVar aggregate classification (germline): Pathogenic/Likely pathogenic. Review status: criteria provided, multiple submitters, no conflicts (2 of 4 stars). 2 submissions from 2 submitters: Pathogenic (1); Likely pathogenic (1). Last evaluated 2025-01-28.

Conditions:
Microcephaly 1, primary, autosomal recessive (MCPH1). Also called: PREMATURE CHROMOSOME CONDENSATION SYNDROME; PCC SYNDROME; PREMATURE CHROMOSOME CONDENSATION WITH MICROCEPHALY AND MENTAL RETARDATION. Identifiers: Orphanet 2512, MedGen C1855081, MONDO:0009617, OMIM 251200.

Submissions (2):

Myriad Genetics, Inc.
Classification: Pathogenic for Microcephaly 1, primary, autosomal recessive. Last evaluated: 2025-01-28. Review status: criteria provided, single submitter. Criteria: Myriad Autosomal Dominant, Autosomal Recessive and X-Linked Classification Criteria (2023). Collection method: clinical testing. Allele origin: unknown.
Comment: NM_024596.3(MCPH1):c.262G>T(E88*) is expected to be pathogenic in the context of primary microcephaly, MCPH1-related. This variant is predicted to lead to an abnormal or absent protein product due to the creation of a premature termination codon in MCPH1, a gene where loss-of-function variants are known to be pathogenic. Please note: this variant was assessed in the context of healthy population screening.

Fulgent Genetics
Classification: Likely pathogenic for Microcephaly 1, primary, autosomal recessive. Last evaluated: 2024-01-20. Review status: criteria provided, single submitter. Criteria: ACMG Guidelines, 2015. Collection method: clinical testing. Allele origin: germline.

NM_024596.5(MCPH1):c.262G>T (p.Glu88Ter)

Gene: MCPH1 (microcephalin 1; plus strand). Cytogenetic location: 8p23.1.
Variant type: single nucleotide variant.
Coding change: c.262G>T on transcript NM_024596.5 (MANE Select); coding-DNA position 262, G replaced by T.
Protein change: p.Glu88Ter; replaces glutamic acid 88 with a stop codon.
Molecular consequence: nonsense. On other transcripts: non-coding transcript variant (1).
Genome position (GRCh38, 1-based): chr8:6,431,527, G>T. VCF-style: chr8-6431527-G-T. GRCh37 (hg19) VCF-style: chr8-6289048-G-T.
Other names: c.262G>T, p.Glu88Ter (NM_001172574.2, NM_001172575.2, NM_001322042.2 and 4 more transcripts); c.256G>T, p.Glu86Ter (NM_001322043.2); c.160G>T, p.Glu54Ter (NM_001322045.2); short protein forms E86*, E54*, E88*.
Identifiers: ClinVar variation 3595787 (VCV003595787.2).